The following is an entry in ClinVar:

ClinVar aggregate classification (germline): Pathogenic (1 of 4 stars; one submission).

Conditions:
Hereditary cancer-predisposing syndrome. Also called: Neoplastic Syndromes, Hereditary; Hereditary neoplastic syndrome; Tumor predisposition; Hereditary Cancer Syndrome. Identifiers: Orphanet 140162, MedGen C0027672, MeSH D009386, MONDO:0015356.

Submission:

Ambry Genetics
Classification: Pathogenic for Hereditary cancer-predisposing syndrome. Last evaluated: 2026-02-25. Review status: criteria provided, single submitter. Criteria: Ambry Variant Classification Scheme 2023. Collection method: clinical testing. Allele origin: germline.
Comment: The c.357delTins54 pathogenic mutation, located in coding exon 5 of the PMS2 gene, results from the deletion of one nucleotide and insertion of 54 nucleotides (CTCTTAAATTTGCATATGTTATAAATAATGTCAATATAAAAACTGATAGCATGG) causing a translational frameshift with a predicted alternate stop codon (p.V120Sfs*2). This variant is considered to be rare based on population cohorts in the Genome Aggregation Database (gnomAD). This alteration is expected to result in loss of function by premature protein truncation or nonsense-mediated mRNA decay. As such, this alteration is interpreted as a disease-causing mutation.

NM_000535.7(PMS2):c.357delinsCTCTTAAATTTGCATATGTTATAAATAATGTCAATATAAAAACTGATAGCATGG (p.Asp119_Val120insSerTer)

Gene: PMS2 (PMS1 homolog 2, mismatch repair system component; minus strand). Cytogenetic location: 7p22.1.
Variant type: Indel.
Coding change: c.357delinsCTCTTAAATTTGCATATGTTATAAATAATGTCAATATAAAAACTGATAGCATGG on transcript NM_000535.7 (MANE Select); coding-DNA position 357, the reference bases replaced by an inserted sequence.
Protein change: p.Asp119_Val120insSerTer.
Molecular consequence: nonsense. On other transcripts: 5 prime UTR variant (29), non-coding transcript variant (1), intron variant (1).
Genome position (GRCh38, 1-based): chr7:6,002,633, one base replaced. GRCh37 (hg19), VCF-style position (the base before the change): chr7:6,042,264.
Other names: c.-49delinsCTCTTAAATTTGCATATGTTATAAATAATGTCAATATAAAAACTGATAGCATGG (NM_001406893.1, NM_001406894.1, NM_001406895.1 and 24 more transcripts); c.357delinsCTCTTAAATTTGCATATGTTATAAATAATGTCAATATAAAAACTGATAGCATGG, p.Asp119_Val120insSerTer (NM_001406912.1, NM_001322014.2, NM_001406869.1 and 8 more transcripts); c.250+1339delinsCTCTTAAATTTGCATATGTTATAAATAATGTCAATATAAAAACTGATAGCATGG (NM_001406885.1); c.48delinsCTCTTAAATTTGCATATGTTATAAATAATGTCAATATAAAAACTGATAGCATGG, p.Asp16_Val17insSerTer (NM_001406900.1, NM_001322015.2, NM_001406875.1 and 6 more transcripts); c.39delinsCTCTTAAATTTGCATATGTTATAAATAATGTCAATATAAAAACTGATAGCATGG, p.Asp13_Val14insSerTer (NM_001406901.1, NM_001406902.1, NM_001406903.1 and 4 more transcripts); c.-528delinsCTCTTAAATTTGCATATGTTATAAATAATGTCAATATAAAAACTGATAGCATGG (NM_001322011.2, NM_001322012.2); c.543delinsCTCTTAAATTTGCATATGTTATAAATAATGTCAATATAAAAACTGATAGCATGG, p.Asp181_Val182insSerTer (NM_001406866.1); c.381delinsCTCTTAAATTTGCATATGTTATAAATAATGTCAATATAAAAACTGATAGCATGG, p.Asp127_Val128insSerTer (NM_001406868.1).
Identifiers: ClinVar variation 4824567 (VCV004824567.1).